The following is an entry in ClinVar:

ClinVar aggregate classification (germline): Uncertain significance (1 of 4 stars; one submission).

Conditions:
Hereditary cancer-predisposing syndrome. Also called: Tumor predisposition; Hereditary Cancer Syndrome; Neoplastic Syndromes, Hereditary; Hereditary neoplastic syndrome. Identifiers: Orphanet 140162, MedGen C0027672, MeSH D009386, MONDO:0015356.

Submission:

Color Diagnostics, LLC DBA Color Health
Classification: Uncertain significance for Hereditary cancer-predisposing syndrome. Last evaluated: 2025-08-25. Review status: criteria provided, single submitter. Criteria: ACMG Guidelines, 2015. Collection method: clinical testing. Allele origin: germline.
Comment: This missense variant replaces histidine with leucine at codon 2395 of the BRCA2 protein. Computational prediction suggests that this variant may not impact protein structure and function. To our knowledge, functional studies have not been reported for this variant. This variant has not been reported in individuals affected with BRCA2-related disorders in the literature. This variant has not been identified in the general population by the Genome Aggregation Database (gnomAD). The available evidence is insufficient to determine the role of this variant in disease conclusively. Therefore, this variant is classified as a Variant of Uncertain Significance.

NM_000059.4(BRCA2):c.7184A>T (p.His2395Leu)

Gene: BRCA2 (BRCA2 DNA repair associated; plus strand). Cytogenetic location: 13q13.1.
Variant type: single nucleotide variant.
Coding change: c.7184A>T on transcript NM_000059.4 (MANE Select); coding-DNA position 7184, A replaced by T.
Protein change: p.His2395Leu; replaces histidine 2395 with leucine.
Molecular consequence: missense variant. On other transcripts: non-coding transcript variant (1).
Genome position (GRCh38, 1-based): chr13:32,355,037, A>T. VCF-style: chr13-32355037-A-T. GRCh37 (hg19) VCF-style: chr13-32929174-A-T.
Other names: c.7088A>T, p.His2363Leu (NM_001406719.1); c.7184A>T, p.His2395Leu (NM_001406720.1, NM_001432077.1); c.2252A>T, p.His751Leu (NM_001406721.1); c.767A>T, p.His256Leu (NM_001406722.1); short protein forms H2363L, H2395L, H256L, H751L.
Identifiers: ClinVar variation 4758010 (VCV004758010.1).